The following is an entry in ClinVar:

NM_001035.3(RYR2):c.4175G>A (p.Arg1392Lys)

Gene: RYR2 (ryanodine receptor 2; plus strand). Cytogenetic location: 1q43.
Variant type: single nucleotide variant.
Coding change: c.4175G>A on transcript NM_001035.3 (MANE Select); coding-DNA position 4175, G replaced by A.
Protein change: p.Arg1392Lys; replaces arginine 1392 with lysine.
Molecular consequence: missense variant.
Genome position (GRCh38, 1-based): chr1:237,591,753, G>A. VCF-style: chr1-237591753-G-A. GRCh37 (hg19) VCF-style: chr1-237755053-G-A.
Other names: short protein forms R1392K.
Identifiers: ClinVar variation 955262 (VCV000955262.12), dbSNP rs1675223766, ClinGen allele CA345398306.

ClinVar aggregate classification (germline): Uncertain significance. Review status: criteria provided, multiple submitters, no conflicts (2 of 4 stars). 2 submissions from 2 submitters: Uncertain significance (2). Last evaluated 2025-01-17.

Conditions:
Catecholaminergic polymorphic ventricular tachycardia 1. Also called: VENTRICULAR TACHYCARDIA, STRESS-INDUCED POLYMORPHIC 1; RYR2-Related Catecholaminergic Polymorphic Ventricular Tachycardia; VENTRICULAR TACHYCARDIA, CATECHOLAMINERGIC POLYMORPHIC, 1, WITH OR WITHOUT ATRIAL DYSFUNCTION AND/OR DILATED CARDIOMYOPATHY. Identifiers: Orphanet 3286, MedGen C1631597, MONDO:0011484, OMIM 604772.

Submissions (2):

GeneDx
Classification: Uncertain significance. Last evaluated: 2025-01-17. Review status: criteria provided, single submitter. Criteria: GeneDx Variant Classification Process June 2021. Collection method: clinical testing. Allele origin: germline. Affected: yes.
Comment: Not observed at significant frequency in large population cohorts (gnomAD); In silico analysis indicates that this missense variant does not alter protein structure/function; Not located in one of the three hot-spot regions of the RYR2 gene, where the majority of pathogenic missense variants occur (PMID: 19926015); Has not been previously published as pathogenic or benign to our knowledge; This variant is associated with the following publications: (PMID: 19926015)

Labcorp Genetics (formerly Invitae), Labcorp
Classification: Uncertain significance for Catecholaminergic polymorphic ventricular tachycardia 1. Last evaluated: 2019-09-11. Review status: criteria provided, single submitter. Criteria: Invitae Variant Classification Sherloc (09022015). Collection method: clinical testing. Allele origin: germline.
Comment: This variant has not been reported in the literature in individuals with RYR2-related conditions. This variant is not present in population databases (ExAC no frequency). This sequence change replaces arginine with lysine at codon 1392 of the RYR2 protein (p.Arg1392Lys). The arginine residue is highly conserved and there is a small physicochemical difference between arginine and lysine. In summary, the available evidence is currently insufficient to determine the role of this variant in disease. Therefore, it has been classified as a Variant of Uncertain Significance. Algorithms developed to predict the effect of missense changes on protein structure and function output the following: SIFT: "Deleterious"; PolyPhen-2: "Benign"; Align-GVGD: "Class C25". The lysine amino acid residue is found in multiple mammalian species, suggesting that this missense change does not adversely affect protein function. These predictions have not been confirmed by published functional studies and their clinical significance is uncertain.